The following is an entry in ClinVar:

GRCh37/hg19 17q12(chr17:33687356-33767930)x1

Genes: SLFN12 (schlafen family member 12; minus strand), SLFN13 (schlafen family member 13; minus strand), SLFN11 (schlafen family member 11; minus strand). Cytogenetic location: 17q12.
Variant type: copy number loss.
Change: copy number 1 (one copy instead of two) of chr17:33,687,356-33,767,930 (80.6 kb, GRCh37 coordinates, 1-based), cytogenetic band 17q12.
Identifiers: ClinVar variation 395312 (VCV000395312.3).

ClinVar aggregate classification (germline): Benign/Likely benign (0 of 4 stars; one submission).

Submission:

ISCA Site 6
Classification: Benign/Likely benign. Review status: no assertion criteria provided. Collection method: clinical testing. Allele origin: unknown. Affected: yes. Observed: 7 variant alleles. Clinical features observed: Developmental delay AND/OR other significant developmental or morphological phenotypes.
Comment: Likely benign (3), Benign (4)

Copy number variation identified through the course of routine clinical cytogenomic testing in postnatal populations, with clinical assertions as classified by the original submitter. For data from the original published study, Kaminsky, et al. 2011 (PubMed 21844811), please see nstd101.